The following is an entry in ClinVar:

ClinVar aggregate classification (germline): Likely benign. Review status: criteria provided, multiple submitters, no conflicts (2 of 4 stars). 2 submissions from 2 submitters: Likely benign (2). Last evaluated 2024-10-04.

Conditions:
Glutaric aciduria, type 1. Also called: GA I; Glutaricacidemia Type 1; Glutaric Acidemia Type 1; Glutaricaciduria, type I; Glutaryl-CoA dehydrogenase deficiency; Glutaric acidemia type I. Identifiers: Orphanet 25, MedGen C0268595, MONDO:0009281, OMIM 231670.

Allele frequency attached by ClinVar (database versions not stated): gnomAD exomes below 0.00001; gnomAD 0.00001.

Submissions (2):

Labcorp Genetics (formerly Invitae), Labcorp
Classification: Likely benign for Glutaric aciduria, type 1. Last evaluated: 2024-10-04. Review status: criteria provided, single submitter. Criteria: Invitae Variant Classification Sherloc (09022015). Collection method: clinical testing. Allele origin: germline.

GeneDx
Classification: Likely benign. Last evaluated: 2017-03-24. Review status: criteria provided, single submitter. Criteria: GeneDx Variant Classification (06012015). Collection method: clinical testing. Allele origin: germline. Affected: yes.
Comment: This variant is considered likely benign or benign based on one or more of the following criteria: it is a conservative change, it occurs at a poorly conserved position in the protein, it is predicted to be benign by multiple in silico algorithms, and/or has population frequency not consistent with disease.

NM_000159.4(GCDH):c.1014C>T (p.Asp338=)

Gene: GCDH (glutaryl-CoA dehydrogenase; plus strand). Cytogenetic location: 19p13.13.
Variant type: single nucleotide variant.
Coding change: c.1014C>T on transcript NM_000159.4 (MANE Select); coding-DNA position 1014, C replaced by T.
Protein change: p.Asp338=; no amino-acid change (aspartic acid 338 retained).
Molecular consequence: synonymous variant. On other transcripts: non-coding transcript variant (2).
Genome position (GRCh38, 1-based): chr19:12,897,360, C>T. VCF-style: chr19-12897360-C-T. GRCh37 (hg19) VCF-style: chr19-13008174-C-T.
Other names: c.1014C>T, p.Asp338= (NM_013976.5).
Identifiers: ClinVar variation 508206 (VCV000508206.4), dbSNP rs1400225199, ClinGen allele CA505648808.